The following is an entry in ClinVar:

ClinVar aggregate classification (germline): Benign. Review status: criteria provided, multiple submitters, no conflicts (2 of 4 stars). 9 submissions from 9 submitters: Benign (7). 2 of the submissions do not count toward it. Last evaluated 2026-02-04.

Conditions:
Glycogen storage disease, type V (GSD5). Also called: MUSCLE GLYCOGEN PHOSPHORYLASE DEFICIENCY; MYOPHOSPHORYLASE DEFICIENCY; PYGM DEFICIENCY; McArdle type glycogen storage disease; MCARDLE DISEASE. Identifiers: Orphanet 368, MedGen C0017924, MONDO:0009293, OMIM 232600.

Allele frequency attached by ClinVar (database versions not stated): 1000 Genomes Project 30x 0.00625; gnomAD 0.01217 and 0.01143; ESP Exome Variant Server 0.01323; TOPMed 0.01261; 1000 Genomes Project 0.00559.
gnomAD v4.1: 25,617 of 1,614,210 alleles (1.6%); highest among the groups gnomAD compares: Non-Finnish European, 2%; 237 homozygotes.

Submissions (9):

Labcorp Genetics (formerly Invitae), Labcorp
Classification: Benign for Glycogen storage disease, type V. Last evaluated: 2026-02-04. Review status: criteria provided, single submitter. Criteria: Invitae Variant Classification Sherloc (09022015). Collection method: clinical testing. Allele origin: germline.

ARUP Laboratories, Molecular Genetics and Genomics, ARUP Laboratories
Classification: Benign for Glycogen storage disease, type V. Last evaluated: 2023-11-01. Review status: criteria provided, single submitter. Criteria: ARUP Molecular Germline Variant Investigation Process 2024. Collection method: clinical testing. Allele origin: germline.

Illumina Laboratory Services, Illumina
Classification: Benign for Glycogen storage disease, type V. Last evaluated: 2017-04-27. Review status: criteria provided, single submitter. Criteria: ICSL Variant Classification Criteria 13 December 2019. Collection method: clinical testing. Allele origin: germline.
Comment: This variant was observed as part of a predisposition screen in an ostensibly healthy population. A literature search was performed for the gene, cDNA change, and amino acid change (where applicable). Publications were found based on this search. The evidence from the literature, in combination with allele frequency data from public databases where available, was sufficient to rule this variant out of causing disease. Therefore, this variant is classified as benign.

GeneDx
Classification: Benign. Last evaluated: 2016-04-11. Review status: criteria provided, single submitter. Criteria: GeneDx Variant Classification (06012015). Collection method: clinical testing. Allele origin: germline. Affected: yes.
Comment: This variant is considered likely benign or benign based on one or more of the following criteria: it is a conservative change, it occurs at a poorly conserved position in the protein, it is predicted to be benign by multiple in silico algorithms, and/or has population frequency not consistent with disease.

Eurofins Ntd Llc (ga)
Classification: Benign. Last evaluated: 2012-10-09. Review status: criteria provided, single submitter. Criteria: EGL Classification Definitions 2015. Collection method: clinical testing. Allele origin: germline. Observed: 3 variant alleles, 3 heterozygotes.

Breakthrough Genomics
Classification: Benign. Review status: criteria provided, single submitter. Criteria: ACMG Guidelines, 2015. Collection method: not provided. Allele origin: germline. Inheritance: Autosomal recessive inheritance. Affected: yes.

PreventionGenetics, part of Exact Sciences
Classification: Benign. Review status: criteria provided, single submitter. Criteria: ACMG Guidelines, 2015. Collection method: clinical testing. Allele origin: germline.

Natera, Inc.
Classification: Benign for Glycogen storage disease V. Last evaluated: 2020-09-16. Review status: no assertion criteria provided. Collection method: clinical testing. Allele origin: germline. Not counted in ClinVar's aggregate classification.

Mayo Clinic Laboratories, Mayo Clinic
Classification: Likely benign. Last evaluated: 2017-05-17. Review status: no assertion criteria provided. Collection method: clinical testing. Allele origin: unknown. Not counted in ClinVar's aggregate classification.

Literature cited by the submitters: PubMed 19472443 (cited by Illumina Laboratory Services, Illumina); PubMed 25914343 (cited by Illumina Laboratory Services, Illumina).

NM_005609.4(PYGM):c.1569C>G (p.Leu523=)

Gene: PYGM (glycogen phosphorylase, muscle associated; minus strand). Cytogenetic location: 11q13.1.
Variant type: single nucleotide variant.
Coding change: c.1569C>G on transcript NM_005609.4 (MANE Select); coding-DNA position 1569, C replaced by G.
Protein change: p.Leu523=; no amino-acid change (leucine 523 retained).
Molecular consequence: synonymous variant.
Genome position (GRCh38, 1-based): chr11:64,752,454, G>C on the plus strand (C>G on the coding strand, the complement: PYGM is on the minus strand). VCF-style: chr11-64752454-G-C. GRCh37 (hg19) VCF-style: chr11-64519926-G-C.
Other names: c.1305C>G, p.Leu435= (NM_001164716.1).
Identifiers: ClinVar variation 95293 (VCV000095293.26), dbSNP rs114138772, ClinGen allele CA148396.